The following is an entry in ClinVar:

ClinVar aggregate classification (germline): Uncertain significance. Review status: criteria provided, multiple submitters, no conflicts (2 of 4 stars). 2 submissions from 2 submitters: Uncertain significance (2). Last evaluated 2025-04-01.

Conditions:
Inborn genetic diseases. Identifiers: MedGen C0950123, MeSH D030342.
Propionic acidemia (PROP). Also called: GLYCINEMIA, KETOTIC; HYPERGLYCINEMIA WITH KETOACIDOSIS AND LEUKOPENIA; KETOTIC HYPERGLYCINEMIA. Identifiers: Orphanet 35, MedGen C0268579, MONDO:0011628, OMIM 606054, HP:0003571.

Allele frequency attached by ClinVar (database versions not stated): TOPMed below 0.00001; gnomAD 0.00001; ExAC 0.00002.
gnomAD v4.1: 42 of 1,607,058 alleles (0.0026%); highest among the groups gnomAD compares: Non-Finnish European, 0.0034%; no homozygotes.

Submissions (2):

Ambry Genetics
Classification: Uncertain significance for Inborn genetic diseases. Last evaluated: 2025-04-01. Review status: criteria provided, single submitter. Criteria: Ambry Variant Classification Scheme 2023. Collection method: clinical testing. Allele origin: germline.

Labcorp Genetics (formerly Invitae), Labcorp
Classification: Uncertain significance for Propionic acidemia. Last evaluated: 2021-08-26. Review status: criteria provided, single submitter. Criteria: Invitae Variant Classification Sherloc (09022015). Collection method: clinical testing. Allele origin: germline.
Comment: This sequence change replaces asparagine with lysine at codon 523 of the PCCA protein (p.Asn523Lys). The asparagine residue is moderately conserved and there is a moderate physicochemical difference between asparagine and lysine. This variant is present in population databases (rs764239303, ExAC 0.003%). This variant has not been reported in the literature in individuals affected with PCCA-related conditions. Advanced modeling of protein sequence and biophysical properties (such as structural, functional, and spatial information, amino acid conservation, physicochemical variation, residue mobility, and thermodynamic stability) performed at Invitae indicates that this missense variant is not expected to disrupt PCCA protein function. In summary, the available evidence is currently insufficient to determine the role of this variant in disease. Therefore, it has been classified as a Variant of Uncertain Significance.

NM_000282.4(PCCA):c.1569C>G (p.Asn523Lys)

Gene: PCCA (propionyl-CoA carboxylase subunit alpha; plus strand). Cytogenetic location: 13q32.3.
Variant type: single nucleotide variant.
Coding change: c.1569C>G on transcript NM_000282.4 (MANE Select); coding-DNA position 1569, C replaced by G.
Protein change: p.Asn523Lys; replaces asparagine 523 with lysine.
Molecular consequence: missense variant. On other transcripts: non-coding transcript variant (5).
Genome position (GRCh38, 1-based): chr13:100,340,185, C>G. VCF-style: chr13-100340185-C-G. GRCh37 (hg19) VCF-style: chr13-100992439-C-G.
Other names: c.1569C>G, p.Asn523Lys (NM_001352605.2, NM_001352609.2, NM_001178004.2); c.1425C>G, p.Asn475Lys (NM_001352606.2); c.1491C>G, p.Asn497Lys (NM_001352607.2, NM_001127692.3); c.1347C>G, p.Asn449Lys (NM_001352608.2); c.624C>G, p.Asn208Lys (NM_001352610.2, NM_001352611.2); c.480C>G, p.Asn160Lys (NM_001352612.2); c.1569C>G (NM_000282.3); short protein forms N160K, N497K, N523K, N475K, N208K, N449K.
Identifiers: ClinVar variation 2167178 (VCV002167178.4), dbSNP rs764239303, ClinGen allele CA7033720.
Genomic context (GRCh38, chr13:100,340,185, plus strand): 5'-GATTGATTGATTGGTTGATTGATTTCCCTCAGGACACATGCTAACCAAGAGTGAGAAGAA[C>G]CAGTTATTGGCAATAGCATCATCATTGTTTGTGGCATTCCAGTTAAGAGCACAACATTTT-3'
Protein context (NP_000273.2, residues 513-533): KGHMLTKSEK[Asn523Lys]QLLAIASSLF